The following is an entry in ClinVar:

NC_000008.10:g.(?_99594279)_(100513908_?)del

Genes: OSR2 (odd-skipped related transciption factor 2; plus strand), STK3 (serine/threonine kinase 3; minus strand), VPS13B (vacuolar protein sorting 13 homolog B; plus strand). Cytogenetic location: 8q22.2.
Variant type: Deletion.
Identifiers: ClinVar variation 3245432 (VCV003245432.1).

ClinVar aggregate classification (germline): Pathogenic (1 of 4 stars; one submission).

Conditions:
Cohen syndrome (COH1). Also called: Cutis verticis gyrata, retinitis pigmentosa, and sensorineural deafness; PEPPER SYNDROME. Identifiers: Orphanet 193, MedGen C0265223, MONDO:0008999, OMIM 216550.

Submission:

Labcorp Genetics (formerly Invitae), Labcorp
Classification: Pathogenic for Cohen syndrome. Last evaluated: 2023-10-25. Review status: criteria provided, single submitter. Criteria: Invitae Variant Classification Sherloc (09022015). Collection method: clinical testing. Allele origin: unknown.
Comment: This variant is a gross deletion of the genomic region encompassing exon(s) 1-25 of the VPS13B gene, which includes the initiator codon. This deletion extends beyond the assayed region for this gene and therefore may encompass additional genes. It is expected to result in an absent or disrupted protein product. Loss-of-function variants in VPS13B are known to be pathogenic (PMID: 15141358, 16648375, 20461111). This variant has not been reported in the literature in individuals affected with VPS13B-related conditions. For these reasons, this variant has been classified as Pathogenic.

Literature cited by the submitters: PubMed 15141358; PubMed 16648375; PubMed 20461111.